The following is an entry in ClinVar:

ClinVar aggregate classification (germline): Uncertain significance (1 of 4 stars; one submission).

Submission:

Labcorp Genetics (formerly Invitae), Labcorp
Classification: Uncertain significance. Last evaluated: 2022-05-07. Review status: criteria provided, single submitter. Criteria: Invitae Variant Classification Sherloc (09022015). Collection method: clinical testing. Allele origin: germline.
Comment: This sequence change replaces tyrosine, which is neutral and polar, with phenylalanine, which is neutral and non-polar, at codon 807 of the TTLL5 protein (p.Tyr807Phe). This variant is not present in population databases (gnomAD no frequency). This variant has not been reported in the literature in individuals affected with TTLL5-related conditions. Algorithms developed to predict the effect of missense changes on protein structure and function are either unavailable or do not agree on the potential impact of this missense change (SIFT: "Deleterious"; PolyPhen-2: "Probably Damaging"; Align-GVGD: "Class C0"). In summary, the available evidence is currently insufficient to determine the role of this variant in disease. Therefore, it has been classified as a Variant of Uncertain Significance.

NM_015072.5(TTLL5):c.2420A>T (p.Tyr807Phe)

Gene: TTLL5 (tubulin tyrosine ligase like 5; plus strand). Cytogenetic location: 14q24.3.
Variant type: single nucleotide variant.
Coding change: c.2420A>T on transcript NM_015072.5 (MANE Select); coding-DNA position 2420, A replaced by T.
Protein change: p.Tyr807Phe; replaces tyrosine 807 with phenylalanine.
Molecular consequence: missense variant.
Genome position (GRCh38, 1-based): chr14:75,779,607, A>T. VCF-style: chr14-75779607-A-T. GRCh37 (hg19) VCF-style: chr14-76245950-A-T.
Other names: short protein forms Y807F.
Identifiers: ClinVar variation 1937572 (VCV001937572.2), dbSNP rs747266563, ClinGen allele CA390470346.